The following is an entry in ClinVar:

ClinVar aggregate classification (germline): Benign/Likely benign. Review status: criteria provided, multiple submitters, no conflicts (2 of 4 stars). 15 submissions from 14 submitters: Benign (10); Likely benign (2). 3 of the submissions do not count toward it. Last evaluated 2026-09-01.

Conditions:
Autosomal dominant cerebellar ataxia. Also called: Spinocerebellar Ataxia, Dominant. Identifiers: Orphanet 99, MedGen C4087347, MONDO:0020380.
Inborn genetic diseases. Identifiers: MedGen C0950123, MeSH D030342.
Charcot-Marie-Tooth disease axonal type 2O. Also called: Charcot-Marie-Tooth Neuropathy Type 2O; CHARCOT-MARIE-TOOTH NEUROPATHY, AXONAL, TYPE 2O; CHARCOT-MARIE-TOOTH DISEASE, AXONAL, AUTOSOMAL DOMINANT, TYPE 2O; Charcot-Marie-Tooth disease, axonal, type 20. Identifiers: Orphanet 284232, MedGen C3280220, MONDO:0013644, OMIM 614228.
Charcot-Marie-Tooth disease. Also called: Charcot-Marie-Tooth Neuropathy; Charcot-Marie-Tooth Hereditary Neuropathy. Identifiers: Orphanet 166, MedGen C0007959, MONDO:0015626.

Allele frequency attached by ClinVar (database versions not stated): 1000 Genomes Project 30x 0.00047; 1000 Genomes Project 0.00060; TOPMed 0.00223; ExAC 0.00255; gnomAD 0.00275 and 0.00286; ESP Exome Variant Server 0.00369.
gnomAD v4.1: 5,870 of 1,614,198 alleles (0.36%); highest among the groups gnomAD compares: Non-Finnish European, 0.43%; 23 homozygotes.

Submissions (15):

CeGaT Center for Human Genetics Tuebingen
Classification: Benign. Last evaluated: 2026-09-01. Review status: criteria provided, single submitter. Criteria: CeGaT Center For Human Genetics Tuebingen Variant Classification Criteria Version 2. Collection method: clinical testing. Allele origin: germline. Affected: yes. Observed: 23 variant alleles.
Comment: DYNC1H1: BP4, BP7, BS1, BS2

Labcorp Genetics (formerly Invitae), Labcorp
Classification: Benign for Charcot-Marie-Tooth disease axonal type 2O. Last evaluated: 2026-02-03. Review status: criteria provided, single submitter. Criteria: Invitae Variant Classification Sherloc (09022015). Collection method: clinical testing. Allele origin: germline.

ARUP Laboratories, Molecular Genetics and Genomics, ARUP Laboratories
Classification: Benign. Last evaluated: 2025-03-20. Review status: criteria provided, single submitter. Criteria: ARUP Molecular Germline Variant Investigation Process 2024. Collection method: clinical testing. Allele origin: germline.

Mayo Clinic Laboratories, Mayo Clinic
Classification: Benign. Last evaluated: 2018-06-01. Review status: criteria provided, single submitter. Criteria: ACMG Guidelines, 2015. Collection method: clinical testing. Allele origin: germline. Observed: 17 variant alleles.

Athena Diagnostics
Classification: Benign. Last evaluated: 2018-03-02. Review status: criteria provided, single submitter. Criteria: Athena Diagnostics Criteria. Collection method: clinical testing. Allele origin: germline.

Illumina Laboratory Services, Illumina
Classification: Benign for Spinocerebellar Ataxia, Dominant. Last evaluated: 2018-01-13. Review status: criteria provided, single submitter. Criteria: ICSL Variant Classification Criteria 13 December 2019. Collection method: clinical testing. Allele origin: germline.
Comment: This variant was observed in the ICSL laboratory as part of a predisposition screen in an ostensibly healthy population. It had not been previously curated by ICSL or reported in the Human Gene Mutation Database (HGMD: prior to June 1st, 2018), and was therefore a candidate for classification through an automated scoring system. Utilizing variant allele frequency, disease prevalence and penetrance estimates, and inheritance mode, an automated score was calculated to assess if this variant is too frequent to cause the disease. Based on the score and internal cut-off values, a variant classified as benign is not then subjected to further curation. The score for this variant resulted in a classification of benign for this disease.

Illumina Laboratory Services, Illumina
Classification: Benign for Charcot-Marie-Tooth disease axonal type 2O. Last evaluated: 2018-01-13. Review status: criteria provided, single submitter. Criteria: ICSL Variant Classification Criteria 13 December 2019. Collection method: clinical testing. Allele origin: germline.
Comment: the same text as in the submission from Illumina Laboratory Services, Illumina above.

Ambry Genetics
Classification: Likely benign for Inborn genetic diseases. Last evaluated: 2016-10-10. Review status: criteria provided, single submitter. Criteria: Ambry Variant Classification Scheme 2023. Collection method: clinical testing. Allele origin: germline.

Genetic Services Laboratory, University of Chicago
Classification: Benign. Last evaluated: 2015-10-28. Review status: criteria provided, single submitter. Criteria: ACMG Guidelines, 2015. Collection method: clinical testing. Allele origin: germline. Affected: no.

GeneDx
Classification: Benign. Last evaluated: 2015-03-03. Review status: criteria provided, single submitter. Criteria: GeneDx Variant Classification Process June 2021. Collection method: clinical testing. Allele origin: germline. Affected: yes.

Breakthrough Genomics
Classification: Likely benign. Review status: criteria provided, single submitter. Criteria: ACMG Guidelines, 2015. Collection method: not provided. Allele origin: germline. Inheritance: Autosomal dominant inheritance. Affected: yes.

Molecular Genetics Laboratory, London Health Sciences Centre
Classification: Benign for Charcot-Marie-Tooth disease. Review status: criteria provided, single submitter. Criteria: ACMG Guidelines, 2015. Collection method: clinical testing. Allele origin: germline. Affected: yes.

Clinical Genetics DNA and cytogenetics Diagnostics Lab, Erasmus MC, Erasmus Medical Center
Classification: Likely benign. Review status: no assertion criteria provided. Collection method: clinical testing. Allele origin: germline. Affected: yes. Study: VKGL Data-share Consensus. Not counted in ClinVar's aggregate classification.

Clinical Genetics, Academic Medical Center
Classification: Benign. Review status: no assertion criteria provided. Collection method: clinical testing. Allele origin: germline. Affected: yes. Study: VKGL Data-share Consensus. Not counted in ClinVar's aggregate classification.

Joint Genome Diagnostic Labs from Nijmegen and Maastricht, Radboudumc and MUMC+
Classification: Benign. Review status: no assertion criteria provided. Collection method: clinical testing. Allele origin: germline. Affected: yes. Study: VKGL Data-share Consensus. Not counted in ClinVar's aggregate classification.

NM_001376.5(DYNC1H1):c.5298G>T (p.Leu1766=)

Gene: DYNC1H1 (dynein cytoplasmic 1 heavy chain 1; plus strand). Cytogenetic location: 14q32.31.
Variant type: single nucleotide variant.
Coding change: c.5298G>T on transcript NM_001376.5 (MANE Select); coding-DNA position 5298, G replaced by T.
Protein change: p.Leu1766=; no amino-acid change (leucine 1766 retained).
Molecular consequence: synonymous variant.
Genome position (GRCh38, 1-based): chr14:102,005,101, G>T. VCF-style: chr14-102005101-G-T. GRCh37 (hg19) VCF-style: chr14-102471438-G-T.
Other names: p.Leu1766=.
Identifiers: ClinVar variation 210871 (VCV000210871.70), dbSNP rs149395439, ClinGen allele CA206114.